The following is an entry in ClinVar:

NM_178452.6(DNAAF1):c.147_148del (p.Ile49fs)

Gene: DNAAF1 (dynein axonemal assembly factor 1; plus strand). Cytogenetic location: 16q24.1.
Variant type: Microsatellite.
Coding change: c.147_148del on transcript NM_178452.6 (MANE Select); coding-DNA positions 147 to 148, 2 bases deleted (AT; older notation c.147_148delAT).
Protein change: p.Ile49fs; shifts the reading frame from isoleucine 49.
Molecular consequence: frameshift variant.
Genome position (GRCh38, 1-based): chr16:84,149,029-84,149,030, AT deleted; deleting any 2 consecutive bases within chr16:84,149,027-84,149,030 gives the same sequence; the c. name uses the placement nearest the transcript's 3' end. VCF-style (leftmost placement, unchanged base first): chr16-84149026-AAT-A. GRCh37 (hg19) VCF-style: chr16-84182631-AAT-A.
Other names: short protein forms I49fs.
Identifiers: ClinVar variation 455000 (VCV000455000.7), dbSNP rs1555519999, ClinGen allele CA658658506.

ClinVar aggregate classification (germline): Pathogenic (1 of 4 stars; one submission).

Conditions:
Primary ciliary dyskinesia. Also called: Ciliary dyskinesia. Identifiers: Orphanet 244, MedGen C0008780, MONDO:0016575, HP:0012265.

Submission:

Labcorp Genetics (formerly Invitae), Labcorp
Classification: Pathogenic for Primary ciliary dyskinesia. Last evaluated: 2022-09-15. Review status: criteria provided, single submitter. Criteria: Invitae Variant Classification Sherloc (09022015). Collection method: clinical testing. Allele origin: germline.
Comment: For these reasons, this variant has been classified as Pathogenic. ClinVar contains an entry for this variant (Variation ID: 455000). This variant has not been reported in the literature in individuals affected with DNAAF1-related conditions. This variant is not present in population databases (gnomAD no frequency). This sequence change creates a premature translational stop signal (p.Ile49Metfs*6) in the DNAAF1 gene. It is expected to result in an absent or disrupted protein product. Loss-of-function variants in DNAAF1 are known to be pathogenic (PMID: 19944400, 19944405).

Literature cited by the submitters: PubMed 19944400; PubMed 19944405.